The following is an entry in ClinVar:

NM_001144869.3(LIPT2):c.515G>C (p.Cys172Ser)

Gene: LIPT2 (lipoyl(octanoyl) transferase 2; minus strand). Cytogenetic location: 11q13.4.
Variant type: single nucleotide variant.
Coding change: c.515G>C on transcript NM_001144869.3 (MANE Select); coding-DNA position 515, G replaced by C.
Protein change: p.Cys172Ser; replaces cysteine 172 with serine.
Molecular consequence: missense variant.
Genome position (GRCh38, 1-based): chr11:74,492,316, C>G on the plus strand (G>C on the coding strand, the complement: LIPT2 is on the minus strand). VCF-style: chr11-74492316-C-G. GRCh37 (hg19) VCF-style: chr11-74203361-C-G.
Other names: c.553G>C, p.Ala185Pro (NM_001329941.2); c.286G>C, p.Ala96Pro (NM_001329942.2); short protein forms A96P, A185P, C172S.
Identifiers: ClinVar variation 1937053 (VCV001937053.5), dbSNP rs981484693, ClinGen allele CA224979153.

ClinVar aggregate classification (germline): Uncertain significance (1 of 4 stars; one submission).

Allele frequency attached by ClinVar (database versions not stated): TOPMed 0.00001.

Submission:

Labcorp Genetics (formerly Invitae), Labcorp
Classification: Uncertain significance. Last evaluated: 2022-02-21. Review status: criteria provided, single submitter. Criteria: Invitae Variant Classification Sherloc (09022015). Collection method: clinical testing. Allele origin: germline.
Comment: This variant is present in population databases (no rsID available, gnomAD 0.004%). In summary, the available evidence is currently insufficient to determine the role of this variant in disease. Therefore, it has been classified as a Variant of Uncertain Significance. Algorithms developed to predict the effect of missense changes on protein structure and function are either unavailable or do not agree on the potential impact of this missense change (SIFT: "Not Available"; PolyPhen-2: "Possibly Damaging"; Align-GVGD: "Not Available"). This variant has not been reported in the literature in individuals affected with LIPT2-related conditions. This sequence change replaces cysteine, which is neutral and slightly polar, with serine, which is neutral and polar, at codon 172 of the LIPT2 protein (p.Cys172Ser).